The following is an entry in ClinVar:

ClinVar aggregate classification (germline): Uncertain significance (1 of 4 stars; one submission).

Conditions:
Charcot-Marie-Tooth disease type 2. Also called: Charcot-Marie-Tooth type 2. Identifiers: Orphanet 64746, MedGen C0270914, MONDO:0018993.

Submission:

Labcorp Genetics (formerly Invitae), Labcorp
Classification: Uncertain significance for Charcot-Marie-Tooth disease type 2. Last evaluated: 2025-10-11. Review status: criteria provided, single submitter. Criteria: Invitae Variant Classification Sherloc (09022015). Collection method: clinical testing. Allele origin: germline.
Comment: This sequence change replaces threonine, which is neutral and polar, with arginine, which is basic and polar, at codon 24 of the AARS protein (p.Thr24Arg). This variant is not present in population databases (gnomAD no frequency). This variant has not been reported in the literature in individuals affected with AARS-related conditions. Invitae Evidence Modeling of protein sequence and biophysical properties (such as structural, functional, and spatial information, amino acid conservation, physicochemical variation, residue mobility, and thermodynamic stability) indicates that this missense variant is not expected to disrupt AARS protein function with a negative predictive value of 95%. Algorithms developed to predict the effect of sequence changes on RNA splicing suggest that this variant may create or strengthen a splice site. In summary, the available evidence is currently insufficient to determine the role of this variant in disease. Therefore, it has been classified as a Variant of Uncertain Significance.

NM_001605.3(AARS1):c.71C>G (p.Thr24Arg)

Gene: AARS1 (alanyl-tRNA synthetase 1; minus strand). Cytogenetic location: 16q22.1.
Variant type: single nucleotide variant.
Coding change: c.71C>G on transcript NM_001605.3 (MANE Select); coding-DNA position 71, C replaced by G.
Protein change: p.Thr24Arg; replaces threonine 24 with arginine.
Molecular consequence: missense variant.
Genome position (GRCh38, 1-based): chr16:70,282,693, G>C on the plus strand (C>G on the coding strand, the complement: AARS1 is on the minus strand). VCF-style: chr16-70282693-G-C. GRCh37 (hg19) VCF-style: chr16-70316596-G-C.
Other names: short protein forms T24R.
Identifiers: ClinVar variation 4746009 (VCV004746009.1).